The following is an entry in ClinVar:

NM_025225.3(PNPLA3):c.*63C>T

Gene: PNPLA3 (patatin like domain 3, 1-acylglycerol-3-phosphate O-acyltransferase; plus strand). Cytogenetic location: 22q13.31.
Variant type: single nucleotide variant.
Coding change: c.*63C>T on transcript NM_025225.3 (MANE Select); 63 bases downstream of the stop codon, C replaced by T.
Molecular consequence: 3 prime UTR variant.
Genome position (GRCh38, 1-based): chr22:43,946,445, C>T. VCF-style: chr22-43946445-C-T. GRCh37 (hg19) VCF-style: chr22-44342325-C-T.
Identifiers: ClinVar variation 341949 (VCV000341949.6), dbSNP rs2294919, ClinGen allele CA10651441.

ClinVar aggregate classification (germline): Benign. Review status: criteria provided, multiple submitters, no conflicts (2 of 4 stars). 2 submissions from 2 submitters: Benign (2). Last evaluated 2018-01-13.

Conditions:
NAFLD1 (FLD1). Also called: FATTY LIVER DISEASE, SUSCEPTIBILITY TO, 1; Fatty liver disease, nonalcoholic 1. Identifiers: MedGen C2750440, MONDO:0021105, OMIM 613282.

Allele frequency attached by ClinVar (database versions not stated): TOPMed 0.20683; gnomAD 0.20801 and 0.21288; 1000 Genomes Project 30x 0.23720; gnomAD exomes 0.24551; 1000 Genomes Project 0.24661.

Submissions (2):

Illumina Laboratory Services, Illumina
Classification: Benign for NAFLD1. Last evaluated: 2018-01-13. Review status: criteria provided, single submitter. Criteria: ICSL Variant Classification Criteria 13 December 2019. Collection method: clinical testing. Allele origin: germline.
Comment: This variant was observed in the ICSL laboratory as part of a predisposition screen in an ostensibly healthy population. It had not been previously curated by ICSL or reported in the Human Gene Mutation Database (HGMD: prior to June 1st, 2018), and was therefore a candidate for classification through an automated scoring system. Utilizing variant allele frequency, disease prevalence and penetrance estimates, and inheritance mode, an automated score was calculated to assess if this variant is too frequent to cause the disease. Based on the score and internal cut-off values, a variant classified as benign is not then subjected to further curation. The score for this variant resulted in a classification of benign for this disease.

Breakthrough Genomics
Classification: Benign. Review status: criteria provided, single submitter. Criteria: ACMG Guidelines, 2015. Collection method: not provided. Allele origin: germline. Inheritance: Unknown mechanism. Affected: yes.